The following is an entry in ClinVar:

NM_153252.5(BRWD3):c.4565C>T (p.Ser1522Leu)

Gene: BRWD3 (bromodomain and WD repeat domain containing 3; minus strand). Cytogenetic location: Xq21.1.
Variant type: single nucleotide variant.
Coding change: c.4565C>T on transcript NM_153252.5 (MANE Select); coding-DNA position 4565, C replaced by T.
Protein change: p.Ser1522Leu; replaces serine 1522 with leucine.
Molecular consequence: missense variant.
Genome position (GRCh38, 1-based): chrX:80,681,430, G>A on the plus strand (C>T on the coding strand, the complement: BRWD3 is on the minus strand). VCF-style: chrX-80681430-G-A. GRCh37 (hg19) VCF-style: chrX-79936929-G-A.
Other names: short protein forms S1522L.
Identifiers: ClinVar variation 3613840 (VCV003613840.5).
Genomic context (GRCh38, chrX:80,681,430, plus strand): 5'-AATGATTTGGCTTTCCCTGGGTCATGGCTATTTCCACTTCGGCTATATCCACCGAAGCTC[G>A]ATGAAGAAAATGGCCCATCTGGCTCATCATCAAGTAGATATAGTGAAAGCCCTTCAGCAG-3'
Protein context (NP_694984.5, residues 1512-1532): DDEPDGPFSS[Ser1522Leu]SFGGYSRSGN

ClinVar aggregate classification (germline): Benign/Likely benign. Review status: criteria provided, multiple submitters, no conflicts (2 of 4 stars). 3 submissions from 3 submitters: Benign (1); Likely benign (2). Last evaluated 2026-04-01.

gnomAD v4.1: 32 of 1,207,460 alleles (0.0027%); highest among the groups gnomAD compares: Middle Eastern, 0.046%; no homozygotes.

Submissions (3):

CeGaT Center for Human Genetics Tuebingen
Classification: Likely benign. Last evaluated: 2026-04-01. Review status: criteria provided, single submitter. Criteria: CeGaT Center For Human Genetics Tuebingen Variant Classification Criteria Version 2. Collection method: clinical testing. Allele origin: germline. Affected: yes. Observed: 1 variant allele.
Comment: BRWD3: BS2

Labcorp Genetics (formerly Invitae), Labcorp
Classification: Benign. Last evaluated: 2024-02-07. Review status: criteria provided, single submitter. Criteria: Invitae Variant Classification Sherloc (09022015). Collection method: clinical testing. Allele origin: germline.

Blueprint Genetics
Classification: Likely benign. Last evaluated: 2021-10-08. Review status: criteria provided, single submitter. Criteria: ACMG Guidelines, 2015. Collection method: clinical testing. Allele origin: germline.